The following is an entry in ClinVar:

NM_201378.4(PLEC):c.71-12438G>A

Gene: PLEC (plectin; minus strand). Cytogenetic location: 8q24.3.
Variant type: single nucleotide variant.
Coding change: c.71-12438G>A on transcript NM_201378.4 (MANE Plus Clinical); 12438 bases into the intron before coding-DNA position 71, G replaced by A.
Molecular consequence: intron variant.
Genome position (GRCh38, 1-based): chr8:143,951,130, C>T on the plus strand (G>A on the coding strand, the complement: PLEC is on the minus strand). VCF-style: chr8-143951130-C-T. GRCh37 (hg19) VCF-style: chr8-145025298-C-T.
Other names: c.194-12438G>A (NM_001410941.1, NM_000445.5); c.46+2596G>A (NM_201379.3).
Identifiers: ClinVar variation 683985 (VCV000683985.3), dbSNP rs73715570, ClinGen allele CA12745716.

ClinVar aggregate classification (germline): Benign (1 of 4 stars; one submission).

Allele frequency attached by ClinVar (database versions not stated): 1000 Genomes Project 30x 0.24469; gnomAD 0.25628 and 0.25538; 1000 Genomes Project 0.23962; TOPMed 0.26040.
gnomAD v4.1: 38,798 of 152,074 alleles (26%); highest among the groups gnomAD compares: Middle Eastern, 40%; 5,166 homozygotes.

Submission:

GeneDx
Classification: Benign. Last evaluated: 2018-06-18. Review status: criteria provided, single submitter. Criteria: GeneDx Variant Classification (06012015). Collection method: clinical testing. Allele origin: germline. Affected: yes.
Comment: This variant is considered likely benign or benign based on one or more of the following criteria: it is a conservative change, it occurs at a poorly conserved position in the protein, it is predicted to be benign by multiple in silico algorithms, and/or has population frequency not consistent with disease.